The following is an entry in ClinVar:

NM_000138.5(FBN1):c.6872A>G (p.Asp2291Gly)

Gene: FBN1 (fibrillin 1; minus strand). Cytogenetic location: 15q21.1.
Variant type: single nucleotide variant.
Coding change: c.6872A>G on transcript NM_000138.5 (MANE Select); coding-DNA position 6872, A replaced by G.
Protein change: p.Asp2291Gly; replaces aspartic acid 2291 with glycine.
Molecular consequence: missense variant.
Genome position (GRCh38, 1-based): chr15:48,428,471, T>C on the plus strand (A>G on the coding strand, the complement: FBN1 is on the minus strand). VCF-style: chr15-48428471-T-C. GRCh37 (hg19) VCF-style: chr15-48720668-T-C.
Other names: short protein forms D2291G.
Identifiers: ClinVar variation 581358 (VCV000581358.2), dbSNP rs370283154, ClinGen allele CA392330956.

ClinVar aggregate classification (germline): Uncertain significance. Review status: criteria provided, multiple submitters, no conflicts (2 of 4 stars). 2 submissions from 2 submitters: Uncertain significance (2). Last evaluated 2026-09-21.

Conditions:
Familial thoracic aortic aneurysm and aortic dissection (TAAD). Also called: Thoracic aortic aneurysms and dissections. Identifiers: Orphanet 91387, MedGen C4707243, MONDO:0019625.
Marfan syndrome (MFS). Also called: Marfan syndrome type 1; Marfan's syndrome; FBN1-Related Marfan Syndrome; Marfan syndrome, classic; MARFAN SYNDROME, TYPE I. Identifiers: Orphanet 284963, Orphanet 558, MedGen C0024796, MONDO:0007947, OMIM 154700.
Cardiovascular phenotype. Identifiers: MedGen CN230736.

Submissions (2):

Molecular Diagnostic Laboratory for Inherited Cardiovascular Disease, Montreal Heart Institute
Classification: Uncertain significance for Cardiovascular phenotype. Last evaluated: 2026-09-21. Review status: criteria provided, single submitter. Criteria: ACMG Guidelines, 2015. Collection method: clinical testing. Allele origin: germline. Affected: yes.
Comment: PM1, PM2, PP2, PP3

Labcorp Genetics (formerly Invitae), Labcorp
Classification: Uncertain significance for Marfan syndrome; Thoracic aortic aneurysm and aortic dissection. Last evaluated: 2018-05-07. Review status: criteria provided, single submitter. Criteria: Invitae Variant Classification Sherloc (09022015). Collection method: clinical testing. Allele origin: germline.
Comment: This sequence change replaces aspartic acid with glycine at codon 2291 of the FBN1 protein (p.Asp2291Gly). The aspartic acid residue is highly conserved and there is a moderate physicochemical difference between aspartic acid and glycine. This variant is not present in population databases (ExAC no frequency). This variant has not been reported in the literature in individuals with FBN1-related disease. Algorithms developed to predict the effect of missense changes on protein structure and function do not agree on the potential impact of this missense change (SIFT: "Deleterious"; PolyPhen-2: "Probably Damaging"; Align-GVGD: "Class C0"). Algorithms developed to predict the effect of sequence changes on RNA splicing suggest that this variant may create or strengthen a splice site, but this prediction has not been confirmed by published transcriptional studies. In summary, the available evidence is currently insufficient to determine the role of this variant in disease. Therefore, it has been classified as a Variant of Uncertain Significance.